The following is an entry in ClinVar:

ClinVar aggregate classification (germline): Uncertain significance (1 of 4 stars; one submission).

Conditions:
Peroxisome biogenesis disorder. Identifiers: Orphanet 79189, MedGen C1832200, MONDO:0019234. Disease mechanism: loss of function.

Allele frequency attached by ClinVar (database versions not stated): gnomAD 0.00001; gnomAD exomes 0.00001.
gnomAD v4.1: 14 of 1,561,860 alleles (0.0009%); highest among the groups gnomAD compares: Non-Finnish European, 0.0012%; no homozygotes.

Submission:

Labcorp Genetics (formerly Invitae), Labcorp
Classification: Uncertain significance for Peroxisome biogenesis disorder. Last evaluated: 2022-05-21. Review status: criteria provided, single submitter. Criteria: Invitae Variant Classification Sherloc (09022015). Collection method: clinical testing. Allele origin: germline.
Comment: This sequence change replaces arginine, which is basic and polar, with cysteine, which is neutral and slightly polar, at codon 161 of the PEX6 protein (p.Arg161Cys). The frequency data for this variant in the population databases is considered unreliable, as metrics indicate poor data quality at this position in the gnomAD database. This variant has not been reported in the literature in individuals affected with PEX6-related conditions. Algorithms developed to predict the effect of missense changes on protein structure and function are either unavailable or do not agree on the potential impact of this missense change (SIFT: "Deleterious"; PolyPhen-2: "Possibly Damaging"; Align-GVGD: "Class C0"). In summary, the available evidence is currently insufficient to determine the role of this variant in disease. Therefore, it has been classified as a Variant of Uncertain Significance.

NM_000287.4(PEX6):c.481C>T (p.Arg161Cys)

Gene: PEX6 (peroxisomal biogenesis factor 6; minus strand). Cytogenetic location: 6p21.1.
Variant type: single nucleotide variant.
Coding change: c.481C>T on transcript NM_000287.4 (MANE Select); coding-DNA position 481, C replaced by T.
Protein change: p.Arg161Cys; replaces arginine 161 with cysteine.
Molecular consequence: missense variant. On other transcripts: non-coding transcript variant (1).
Genome position (GRCh38, 1-based): chr6:42,978,670, G>A on the plus strand (C>T on the coding strand, the complement: PEX6 is on the minus strand). VCF-style: chr6-42978670-G-A. GRCh37 (hg19) VCF-style: chr6-42946408-G-A.
Other names: c.481C>T, p.Arg161Cys (NM_001316313.2); short protein forms R161C.
Identifiers: ClinVar variation 1975806 (VCV001975806.2), dbSNP rs1243445966, ClinGen allele CA364165023.